The following is an entry in ClinVar:

NM_152383.5(DIS3L2):c.1420_1421del (p.Gly474fs)

Gene: DIS3L2 (DIS3 like 3'-5' exoribonuclease 2; plus strand). Cytogenetic location: 2q37.1.
Variant type: Deletion.
Coding change: c.1420_1421del on transcript NM_152383.5 (MANE Select); coding-DNA positions 1420 to 1421, 2 bases deleted (GG; older notation c.1420_1421delGG).
Protein change: p.Gly474fs; shifts the reading frame from glycine 474.
Molecular consequence: frameshift variant. On other transcripts: non-coding transcript variant (2).
Genome position (GRCh38, 1-based): chr2:232,249,341-232,249,342, GG deleted; deleting any 2 consecutive bases within chr2:232,249,340-232,249,342 gives the same sequence; the c. name uses the placement nearest the transcript's 3' end. VCF-style (leftmost placement, unchanged base first): chr2-232249339-AGG-A. GRCh37 (hg19) VCF-style: chr2-233114049-AGG-A.
Other names: c.1420_1421del, p.Gly474fs (NM_001257281.2); c.1420_1421delGG, p.Gly474Glnfs (NM_152383.4); short protein forms G474fs.
Identifiers: ClinVar variation 3602642 (VCV003602642.1).

ClinVar aggregate classification (germline): Pathogenic (1 of 4 stars; one submission).

Conditions:
Perlman syndrome (PRLMNS). Identifiers: Orphanet 2849, MedGen C0796113, MONDO:0009965, OMIM 267000.

Submission:

St. Jude Molecular Pathology, St. Jude Children's Research Hospital
Classification: Pathogenic for Perlman syndrome. Last evaluated: 2024-09-16. Review status: criteria provided, single submitter. Criteria: St. Jude Assertion Criteria 2020. Collection method: clinical testing. Allele origin: germline.
Comment: The DIS3L2 c.1420_1421del (p.Gly474GlnfsTer4) change deletes two nucleotides to cause a frameshift and the creation of a premature stop codon. This change is predicted to cause protein truncation or absence of protein due to nonsense-mediated decay. This variant is absent in gnomAD v2.1.1. To our knowledge, this variant has not been reported in individuals with Perlman syndrome. In summary, this variant meets criteria to be classified as pathogenic.